The following is an entry in ClinVar:

NM_005619.5(RTN2):c.1380+7del

Genes: OPA3-RTN2 (OPA3-RTN2 readthrough; minus strand), RTN2 (reticulon 2; minus strand). Cytogenetic location: 19q13.32.
Variant type: Deletion.
Coding change: c.1380+7del on transcript NM_005619.5 (MANE Select); 7 bases into the intron after coding-DNA position 1380, one base deleted (T; older notation c.1380+7delT).
Molecular consequence: intron variant.
Genome position (GRCh38, 1-based): chr19:45,488,841, A deleted on the plus strand (T on the coding strand, the reverse complement: RTN2 is on the minus strand). VCF-style (leftmost placement, unchanged base first): chr19-45488840-CA-C. GRCh37 (hg19) VCF-style: chr19-45992098-CA-C.
Other names: c.1161+7del (NM_206900.3); c.360+7del (NM_206901.3).
Identifiers: ClinVar variation 507102 (VCV000507102.2), dbSNP rs1555797472, ClinGen allele CA658799252.
Genomic context (GRCh38, chr19:45,488,840, plus strand): 5'-CCCTCCCACCCCCTAGCCATGCAGAGGTGAATGGGGGAACCCAGGAGGGGCTGAGAGCTC[CA>C]GGCCACCTTGAGGGAATCCACGAGGTCTTCTACCAGGAAGAAGTGCCGCAGCTGCGTGGC-3'

ClinVar aggregate classification (germline): Likely benign. Review status: criteria provided, multiple submitters, no conflicts (2 of 4 stars). 2 submissions from 2 submitters: Likely benign (2). Last evaluated 2026-04-29.

Conditions:
RTN2-related disorder. Also called: RTN2-related condition.

Submissions (2):

PreventionGenetics, part of Exact Sciences
Classification: Likely benign for RTN2-related condition. Last evaluated: 2026-04-29. Review status: criteria provided, single submitter. Criteria: ACMG Guidelines, 2015. Collection method: clinical testing. Allele origin: germline.
Comment: This variant is classified as likely benign based on ACMG/AMP sequence variant interpretation guidelines (Richards et al. 2015 PMID: 25741868, with internal and published modifications).

GeneDx
Classification: Likely benign. Last evaluated: 2017-02-06. Review status: criteria provided, single submitter. Criteria: GeneDx Variant Classification (06012015). Collection method: clinical testing. Allele origin: germline. Affected: yes.
Comment: This variant is considered likely benign or benign based on one or more of the following criteria: it is a conservative change, it occurs at a poorly conserved position in the protein, it is predicted to be benign by multiple in silico algorithms, and/or has population frequency not consistent with disease.